The following is an entry in ClinVar:

NM_000321.3(RB1):c.164C>T (p.Pro55Leu)

Gene: RB1 (RB transcriptional corepressor 1; plus strand). Cytogenetic location: 13q14.2.
Variant type: single nucleotide variant.
Coding change: c.164C>T on transcript NM_000321.3 (MANE Select); coding-DNA position 164, C replaced by T.
Protein change: p.Pro55Leu; replaces proline 55 with leucine.
Molecular consequence: missense variant.
Genome position (GRCh38, 1-based): chr13:48,307,306, C>T. VCF-style: chr13-48307306-C-T. GRCh37 (hg19) VCF-style: chr13-48881442-C-T.
Other names: c.164C>T, p.Pro55Leu (NM_001407165.1, NM_001407166.1, NM_001407167.1); short protein forms P55L.
Identifiers: ClinVar variation 2565213 (VCV002565213.2), dbSNP rs2138033964, ClinGen allele CA388250481.

ClinVar aggregate classification (germline): Uncertain significance (1 of 4 stars; one submission).

Conditions:
Hereditary cancer-predisposing syndrome. Also called: Neoplastic Syndromes, Hereditary; Hereditary Cancer Syndrome; Hereditary neoplastic syndrome; Tumor predisposition. Identifiers: Orphanet 140162, MedGen C0027672, MeSH D009386, MONDO:0015356.

Submission:

Ambry Genetics
Classification: Uncertain significance for Hereditary cancer-predisposing syndrome. Last evaluated: 2023-03-21. Review status: criteria provided, single submitter. Criteria: Ambry Variant Classification Scheme 2023. Collection method: clinical testing. Allele origin: germline.
Comment: The p.P55L variant (also known as c.164C>T), located in coding exon 2 of the RB1 gene, results from a C to T substitution at nucleotide position 164. The proline at codon 55 is replaced by leucine, an amino acid with similar properties. This amino acid position is highly conserved in available vertebrate species. In addition, the in silico prediction for this alteration is inconclusive. Since supporting evidence is limited at this time, the clinical significance of this alteration remains unclear.